The following is an entry in ClinVar:

ClinVar aggregate classification (germline): Benign/Likely benign. Review status: criteria provided, multiple submitters, no conflicts (2 of 4 stars). 3 submissions from 3 submitters: Benign (1); Likely benign (2). Last evaluated 2025-08-07.

Conditions:
Hereditary cancer-predisposing syndrome. Also called: Neoplastic Syndromes, Hereditary; Hereditary neoplastic syndrome; Hereditary Cancer Syndrome; Tumor predisposition. Identifiers: Orphanet 140162, MedGen C0027672, MeSH D009386, MONDO:0015356.
Tuberous sclerosis 2 (TSC2). Identifiers: Orphanet 805, MedGen C1860707, MONDO:0013199, OMIM 613254.

Submissions (3):

Labcorp Genetics (formerly Invitae), Labcorp
Classification: Likely benign for Tuberous sclerosis 2. Last evaluated: 2025-08-07. Review status: criteria provided, single submitter. Criteria: Invitae Variant Classification Sherloc (09022015). Collection method: clinical testing. Allele origin: germline.

Myriad Genetics, Inc.
Classification: Benign for Tuberous sclerosis 2. Last evaluated: 2025-05-15. Review status: criteria provided, single submitter. Criteria: Myriad Autosomal Dominant, Autosomal Recessive and X-Linked Classification Criteria (2023). Collection method: clinical testing. Allele origin: unknown.
Comment: This variant is considered benign. This variant is a silent/synonymous amino acid change and it is not expected to impact splicing.

Ambry Genetics
Classification: Likely benign for Hereditary cancer-predisposing syndrome. Last evaluated: 2019-08-06. Review status: criteria provided, single submitter. Criteria: Ambry Variant Classification Scheme 2023. Collection method: clinical testing. Allele origin: germline.

NM_000548.5(TSC2):c.1713T>C (p.Leu571=)

Gene: TSC2 (TSC complex subunit 2; plus strand). Cytogenetic location: 16p13.3.
Variant type: single nucleotide variant.
Coding change: c.1713T>C on transcript NM_000548.5 (MANE Select); coding-DNA position 1713, T replaced by C.
Protein change: p.Leu571=; no amino-acid change (leucine 571 retained).
Molecular consequence: synonymous variant.
Genome position (GRCh38, 1-based): chr16:2,065,632, T>C. VCF-style: chr16-2065632-T-C. GRCh37 (hg19) VCF-style: chr16-2115633-T-C.
Other names: c.1713T>C, p.Leu571= (NM_001077183.3, NM_001114382.3, NM_001363528.2 and 3 more transcripts); c.1602T>C, p.Leu534= (NM_001318827.2); c.1566T>C, p.Leu522= (NM_001318829.2); c.1113T>C, p.Leu371= (NM_001318831.2); c.1746T>C, p.Leu582= (NM_001318832.2).
Identifiers: ClinVar variation 1085312 (VCV001085312.12), dbSNP rs2151210746, ClinGen allele CA492948050.